The following is an entry in ClinVar:

NM_004369.4(COL6A3):c.8596C>T (p.Pro2866Ser)

Gene: COL6A3 (collagen type VI alpha 3 chain; minus strand). Cytogenetic location: 2q37.3.
Variant type: single nucleotide variant.
Coding change: c.8596C>T on transcript NM_004369.4 (MANE Select); coding-DNA position 8596, C replaced by T.
Protein change: p.Pro2866Ser; replaces proline 2866 with serine.
Molecular consequence: missense variant.
Genome position (GRCh38, 1-based): chr2:237,336,504, G>A on the plus strand (C>T on the coding strand, the complement: COL6A3 is on the minus strand). VCF-style: chr2-237336504-G-A. GRCh37 (hg19) VCF-style: chr2-238245147-G-A.
Other names: c.6775C>T, p.Pro2259Ser (NM_057166.5); c.7978C>T, p.Pro2660Ser (NM_057167.4); short protein forms P2866S, P2660S, P2259S.
Identifiers: ClinVar variation 373366 (VCV000373366.2), dbSNP rs764921677, ClinGen allele CA2187493.
Genomic context (GRCh38, chr2:237,336,504, plus strand): 5'-TGGTGGTCACCGGCTTCGTCGTAGTCACCGGCTTCGTTGTCGTCACTGGGTTGGATGTAG[G>A]ACTTGAAGTAACGTTATTCGGAACATTTCTGTTAAGACAAATTAAATATTACCTCTACTT-3'
Protein context (NP_004360.2, residues 2856-2876): VNVPNNVTSS[Pro2866Ser]TSNPVTTTKP

ClinVar aggregate classification (germline): Conflicting classifications of pathogenicity. Review status: criteria provided, conflicting classifications (1 of 4 stars). 2 submissions from 2 submitters: Uncertain significance (1); Likely benign (1). Last evaluated 2024-05-06.

Allele frequency attached by ClinVar (database versions not stated): gnomAD 0.00002 and 0.00003; ExAC 0.00003; gnomAD exomes 0.00003.
gnomAD v4.1: 24 of 1,614,112 alleles (0.0015%); highest among the groups gnomAD compares: Non-Finnish European, 0.000085%; no homozygotes.

Submissions (2):

Blueprint Genetics
Classification: Likely benign. Last evaluated: 2024-05-06. Review status: criteria provided, single submitter. Criteria: ACMG Guidelines, 2015. Collection method: clinical testing. Allele origin: germline.

GeneDx
Classification: Uncertain significance. Last evaluated: 2016-12-02. Review status: criteria provided, single submitter. Criteria: GeneDx Variant Classification (06012015). Collection method: clinical testing. Allele origin: germline. Affected: yes.
Comment: The P2866S variant in the COL6A3 gene has not been reported previously as a pathogenic variant, nor as a benign variant, to our knowledge. The P2866S variant was not observed in approximately 6,500 individuals of European and African American ancestry in the NHLBI Exome Sequencing Project, indicating it is not a common benign variant in these populations. The P2866S variant is a non-conservative amino acid substitution, which is likely to impact secondary protein structure as these residues differ in polarity, charge, size and/or other properties. This substitution occurs at a position that is not conserved. In silico analysis is inconsistent in its predictions as to whether or not the variant is damaging to the protein structure/function. We interpret P2866S as a variant of uncertain significance.